The following is an entry in ClinVar:

NM_004364.5(CEBPA):c.383C>G (p.Pro128Arg)

Gene: CEBPA (CCAAT enhancer binding protein alpha; minus strand). Cytogenetic location: 19q13.11.
Variant type: single nucleotide variant.
Coding change: c.383C>G on transcript NM_004364.5 (MANE Select); coding-DNA position 383, C replaced by G.
Protein change: p.Pro128Arg; replaces proline 128 with arginine.
Molecular consequence: missense variant.
Genome position (GRCh38, 1-based): chr19:33,302,032, G>C on the plus strand (C>G on the coding strand, the complement: CEBPA is on the minus strand). VCF-style: chr19-33302032-G-C. GRCh37 (hg19) VCF-style: chr19-33792938-G-C.
Other names: c.488C>G, p.Pro163Arg (NM_001287424.2); c.341C>G, p.Pro114Arg (NM_001287435.2); c.26C>G, p.Pro9Arg (NM_001285829.2); c.383C>G (NM_004364.3); short protein forms P128R, P114R, P163R, P9R.
Identifiers: ClinVar variation 239922 (VCV000239922.8), dbSNP rs878854702, ClinGen allele CA10583800.

ClinVar aggregate classification (germline): Uncertain significance. Review status: criteria provided, multiple submitters, no conflicts (2 of 4 stars). 2 submissions from 2 submitters: Uncertain significance (2). Last evaluated 2025-04-20.

Conditions:
Inborn genetic diseases. Identifiers: MedGen C0950123, MeSH D030342.
Acute myeloid leukemia (AML). Also called: Acute myeloid leukemia, adult; AML adult; Acute non-lymphocytic leukemia; Acute granulocytic leukemia; Leukemia, acute myelogenous, somatic; Leukemia, acute myeloid, somatic. Identifiers: Orphanet 519, MedGen C0023467, MeSH D015470, MONDO:0018874, OMIM 601626, HP:0004808. Disease mechanism: Constitutively activated FLT3.

Submissions (2):

Ambry Genetics
Classification: Uncertain significance for Inborn genetic diseases. Last evaluated: 2025-04-20. Review status: criteria provided, single submitter. Criteria: Ambry Variant Classification Scheme 2023. Collection method: clinical testing. Allele origin: germline.
Comment: The p.P128R variant (also known as c.383C>G), located in coding exon 1 of the CEBPA gene, results from a C to G substitution at nucleotide position 383. The proline at codon 128 is replaced by arginine, an amino acid with dissimilar properties. This amino acid position is conserved. In addition, this alteration is predicted to be tolerated by in silico analysis. Based on the available evidence, the clinical significance of this variant remains unclear.

Labcorp Genetics (formerly Invitae), Labcorp
Classification: Uncertain significance for Acute myeloid leukemia. Last evaluated: 2016-09-30. Review status: criteria provided, single submitter. Criteria: Invitae Variant Classification Sherloc (09022015). Collection method: clinical testing. Allele origin: germline.
Comment: This variant is not present in population databases (ExAC no frequency) and has not been reported in the literature in individuals with a CEBPA-related disease. ClinVar contains an entry for this variant (Variation ID: 239922). Algorithms developed to predict the effect of missense changes on protein structure and function (SIFT, PolyPhen-2, Align-GVGD) all suggest that this variant is likely to be tolerated, but these predictions have not been confirmed by published functional studies. In summary, this is a rare missense change that is not predicted to affect protein function or cause disease. However, the evidence is insufficient at this time to prove that conclusively. It has been classified as a Variant of Uncertain Significance. This sequence change replaces proline with arginine at codon 128 of the CEBPA protein (p.Pro128Arg). The proline residue is moderately conserved and there is a moderate physicochemical difference between proline and arginine.